The following is an entry in ClinVar:

ClinVar aggregate classification (germline): Likely benign (1 of 4 stars; one submission).

Conditions:
Familial intrahepatic cholestasis. Identifiers: Orphanet 284385, MedGen CN296401, MONDO:0017290.
Low phospholipid associated cholelithiasis (GBD1). Also called: Gallbladder disease 1; Gallstone cholecystitis. Identifiers: Orphanet 69663, MedGen C2609268, MONDO:0010939, OMIM 600803.

Submission:

Genomenon, Inc
Classification: Likely benign for Familial intrahepatic cholestasis; Low phospholipid associated cholelithiasis. Last evaluated: 2026-04-14. Review status: criteria provided, single submitter. Criteria: Genomenon Sequence Variant Interpretation Standards - Updated. Collection method: curation. Allele origin: germline. Affected: no.
Comment: ABCB4 c.136-76del is a deletion variant located in intron 3. This variant has been reported in the published literature (PMID:19018976;35741809). It is absent or not present at a significant frequency in gnomAD. This intronic variant is not predicted to impact splicing. In conclusion, we classify ABCB4 c.136-76del as a likely benign variant.

Literature cited by the submitters: PubMed 19018976; PubMed 35741809.

NM_000443.4(ABCB4):c.136-76del

Gene: ABCB4 (ATP binding cassette subfamily B member 4; minus strand). Cytogenetic location: 7q21.12.
Variant type: Deletion.
Coding change: c.136-76del on transcript NM_000443.4 (MANE Select); 76 bases into the intron before coding-DNA position 136, one base deleted (A; older notation c.136-76delA).
Molecular consequence: intron variant.
Genome position (GRCh38, 1-based): chr7:87,462,984, T deleted on the plus strand (A on the coding strand, the reverse complement: ABCB4 is on the minus strand); the first of 5 consecutive T bases (chr7:87,462,984-87,462,988); deleting any one gives the same sequence. VCF-style (leftmost placement, unchanged base first): chr7-87462983-AT-A. GRCh37 (hg19) VCF-style: chr7-87092299-AT-A.
Other names: c.136-76del (NM_018850.3, NM_018849.3).
Identifiers: ClinVar variation 4846341 (VCV004846341.1).